The following is an entry in ClinVar:

ClinVar aggregate classification (germline): Uncertain significance (0 of 4 stars; one submission).

Conditions:
ADCY3-related disorder. Also called: ADCY3-related condition.

gnomAD v4.1: 9 of 1,613,918 alleles (0.00056%); highest among the groups gnomAD compares: Non-Finnish European, 0.00076%; no homozygotes.

Submission:

PreventionGenetics, part of Exact Sciences
Classification: Uncertain significance for ADCY3-related condition. Last evaluated: 2024-01-29. Review status: no assertion criteria provided. Collection method: clinical testing. Allele origin: germline.
Comment: The ADCY3 c.1332G>T variant is predicted to result in the amino acid substitution p.Lys444Asn. To our knowledge, this variant has not been reported in the literature. This variant is reported in 0.00088% of alleles in individuals of European (Non-Finnish) descent in gnomAD. At this time, the clinical significance of this variant is uncertain due to the absence of conclusive functional and genetic evidence.

NM_004036.5(ADCY3):c.1332G>T (p.Lys444Asn)

Gene: ADCY3 (adenylate cyclase 3; minus strand). Cytogenetic location: 2p23.3.
Variant type: single nucleotide variant.
Coding change: c.1332G>T on transcript NM_004036.5 (MANE Select); coding-DNA position 1332, G replaced by T.
Protein change: p.Lys444Asn; replaces lysine 444 with asparagine.
Molecular consequence: missense variant.
Genome position (GRCh38, 1-based): chr2:24,839,896, C>A on the plus strand (G>T on the coding strand, the complement: ADCY3 is on the minus strand). VCF-style: chr2-24839896-C-A. GRCh37 (hg19) VCF-style: chr2-25062765-C-A.
Other names: c.1332G>T, p.Lys444Asn (NM_001320613.2, NM_001377128.1, NM_001377129.1 and 2 more transcripts); c.609G>T, p.Lys203Asn (NM_001377131.1); short protein forms K203N, K444N.
Identifiers: ClinVar variation 3355194 (VCV003355194.1).